The following is an entry in ClinVar:

ClinVar aggregate classification (germline): Pathogenic/Likely pathogenic. Review status: criteria provided, multiple submitters, no conflicts (2 of 4 stars). 6 submissions from 6 submitters: Pathogenic (3); Likely pathogenic (3). Last evaluated 2026-08-01.

Conditions:
Familial adenomatous polyposis 4 (FAP4). Also called: MSH3-related attenuated familial adenomatous polyposis. Identifiers: Orphanet 480536, MedGen C4310719, MONDO:0044300, OMIM 617100.
Hereditary cancer-predisposing syndrome. Also called: Hereditary Cancer Syndrome; Tumor predisposition; Neoplastic Syndromes, Hereditary; Hereditary neoplastic syndrome. Identifiers: Orphanet 140162, MedGen C0027672, MeSH D009386, MONDO:0015356.
Endometrial carcinoma. Also called: Endometrial carcinoma, somatic. Identifiers: MedGen C0476089, MONDO:0002447, OMIM 608089, HP:0012114.

Allele frequency attached by ClinVar (database versions not stated): ESP Exome Variant Server 0.00008.
gnomAD v4.1: 9 of 1,614,078 alleles (0.00056%); highest among the groups gnomAD compares: Non-Finnish European, 0.00076%; no homozygotes.

Submissions (6):

CeGaT Center for Human Genetics Tuebingen
Classification: Likely pathogenic. Last evaluated: 2026-08-01. Review status: criteria provided, single submitter. Criteria: CeGaT Center For Human Genetics Tuebingen Variant Classification Criteria Version 2. Collection method: clinical testing. Allele origin: germline. Affected: yes. Observed: 1 variant allele.
Comment: MSH3: PVS1, PM2:Supporting

Labcorp Genetics (formerly Invitae), Labcorp
Classification: Pathogenic. Last evaluated: 2025-11-24. Review status: criteria provided, single submitter. Criteria: Invitae Variant Classification Sherloc (09022015). Collection method: clinical testing. Allele origin: germline.
Comment: This sequence change creates a premature translational stop signal (p.Gln235*) in the MSH3 gene. It is expected to result in an absent or disrupted protein product. Loss-of-function variants in MSH3 are known to be pathogenic (PMID: 27476653, 37402566). This variant is present in population databases (rs371356175, gnomAD 0.002%). This variant has not been reported in the literature in individuals affected with MSH3-related conditions. ClinVar contains an entry for this variant (Variation ID: 837189). For these reasons, this variant has been classified as Pathogenic.

Genetic Services Laboratory, University of Chicago
Classification: Likely pathogenic. Last evaluated: 2024-07-11. Review status: criteria provided, single submitter. Criteria: ACMG Guidelines, 2015. Collection method: clinical testing. Allele origin: germline. Affected: yes.
Comment: DNA sequence analysis of the MSH3 gene demonstrated a sequence change, c.703C>T, which results in the creation of a premature stop codon at amino acid position 235, p.Gln235*. This sequence change is predicted to result in an abnormal transcript, which may be degraded, or may lead to the production of a truncated MSH3 protein with potentially abnormal function. This sequence change has been described in the gnomAD database with an overall frequency of 0.0011% (dbSNP rs371356175). This sequence change has not been previously described in individuals with MSH3-related disorders. Loss-of-function variants in MSH3 have been reported to be pathogenic (PMID: 27476653, 37402566). Collectively, this evidence indicates that this sequence change is likely pathogenic, however functional studies have not been performed to prove this conclusively.

Baylor Genetics
Classification: Likely pathogenic for Endometrial carcinoma. Last evaluated: 2024-03-21. Review status: criteria provided, single submitter. Criteria: ACMG Guidelines, 2015. Collection method: clinical testing. Allele origin: unknown.

Ambry Genetics
Classification: Pathogenic for Hereditary cancer-predisposing syndrome. Last evaluated: 2024-03-12. Review status: criteria provided, single submitter. Criteria: Ambry Variant Classification Scheme 2023. Collection method: clinical testing. Allele origin: germline.
Comment: The p.Q235* pathogenic mutation (also known as c.703C>T), located in coding exon 4 of the MSH3 gene, results from a C to T substitution at nucleotide position 703. This changes the amino acid from a glutamine to a stop codon within coding exon 4. This variant is considered to be rare based on population cohorts in the Genome Aggregation Database (gnomAD). This alteration is expected to result in loss of function by premature protein truncation or nonsense-mediated mRNA decay. As such, this alteration is interpreted as a disease-causing mutation.

Myriad Genetics, Inc.
Classification: Pathogenic for Familial adenomatous polyposis 4. Last evaluated: 2023-08-29. Review status: criteria provided, single submitter. Criteria: Myriad Autosomal Dominant, Autosomal Recessive and X-Linked Classification Criteria (2023). Collection method: clinical testing. Allele origin: unknown.
Comment: This variant is considered pathogenic. This variant creates a termination codon and is predicted to result in premature protein truncation.

Literature cited by the submitters: PubMed 27476653 (cited by Labcorp Genetics (formerly Invitae), Labcorp); PubMed 37402566 (cited by Labcorp Genetics (formerly Invitae), Labcorp).

NM_002439.5(MSH3):c.703C>T (p.Gln235Ter)

Gene: MSH3 (mutS homolog 3; plus strand). Cytogenetic location: 5q14.1.
Variant type: single nucleotide variant.
Coding change: c.703C>T on transcript NM_002439.5 (MANE Select); coding-DNA position 703, C replaced by T.
Protein change: p.Gln235Ter; replaces glutamine 235 with a stop codon.
Molecular consequence: nonsense.
Genome position (GRCh38, 1-based): chr5:80,670,220, C>T. VCF-style: chr5-80670220-C-T. GRCh37 (hg19) VCF-style: chr5-79966039-C-T.
Other names: short protein forms Q235*.
Identifiers: ClinVar variation 837189 (VCV000837189.16), dbSNP rs371356175, ClinGen allele CA3327683.